The following is an entry in ClinVar:

NM_000268.4(NF2):c.74G>A (p.Arg25Lys)

Gene: NF2 (NF2, moesin-ezrin-radixin like (MERLIN) tumor suppressor; plus strand). Cytogenetic location: 22q12.2.
Variant type: single nucleotide variant.
Coding change: c.74G>A on transcript NM_000268.4 (MANE Select); coding-DNA position 74, G replaced by A.
Protein change: p.Arg25Lys; replaces arginine 25 with lysine.
Molecular consequence: missense variant. On other transcripts: non-coding transcript variant (1).
Genome position (GRCh38, 1-based): chr22:29,604,072, G>A. VCF-style: chr22-29604072-G-A. GRCh37 (hg19) VCF-style: chr22-30000061-G-A.
Other names: c.74G>A, p.Arg25Lys (NM_016418.5, NM_181825.3, NM_181828.3 and 5 more transcripts); short protein forms R25K.
Identifiers: ClinVar variation 580062 (VCV000580062.16), dbSNP rs1569259813, ClinGen allele CA411146095.

ClinVar aggregate classification (germline): Uncertain significance. Review status: criteria provided, multiple submitters, no conflicts (2 of 4 stars). 4 submissions from 4 submitters: Uncertain significance (4). Last evaluated 2025-05-26.

Conditions:
Hereditary cancer-predisposing syndrome. Also called: Tumor predisposition; Neoplastic Syndromes, Hereditary; Hereditary neoplastic syndrome; Hereditary Cancer Syndrome. Identifiers: Orphanet 140162, MedGen C0027672, MeSH D009386, MONDO:0015356.
Familial meningioma. Also called: Meningioma, familial, susceptibility to. Identifiers: Orphanet 263662, MedGen C3551915, MONDO:0011789, OMIM 607174.
Neurofibromatosis, type 2 (SWNV). Also called: NF2-Related Schwannomatosis; BILATERAL ACOUSTIC NEUROFIBROMATOSIS; SCHWANNOMATOSIS, VESTIBULAR. Identifiers: Orphanet 637, MedGen C0027832, MONDO:0007039, OMIM 101000. Disease mechanism: loss of function.

Allele frequency attached by ClinVar (database versions not stated): gnomAD exomes below 0.00001.
gnomAD v4.1: 1 of 1,607,960 alleles (0.000062%); highest among the groups gnomAD compares: Non-Finnish European, 0.000085%; no homozygotes.

Submissions (4):

Labcorp Genetics (formerly Invitae), Labcorp
Classification: Uncertain significance for Neurofibromatosis, type 2. Last evaluated: 2025-05-26. Review status: criteria provided, single submitter. Criteria: Invitae Variant Classification Sherloc (09022015). Collection method: clinical testing. Allele origin: germline.
Comment: This sequence change replaces arginine, which is basic and polar, with lysine, which is basic and polar, at codon 25 of the NF2 protein (p.Arg25Lys). This variant is not present in population databases (gnomAD no frequency). This variant has not been reported in the literature in individuals affected with NF2-related conditions. ClinVar contains an entry for this variant (Variation ID: 580062). Invitae Evidence Modeling of protein sequence and biophysical properties (such as structural, functional, and spatial information, amino acid conservation, physicochemical variation, residue mobility, and thermodynamic stability) indicates that this missense variant is not expected to disrupt NF2 protein function with a negative predictive value of 80%. In summary, the available evidence is currently insufficient to determine the role of this variant in disease. Therefore, it has been classified as a Variant of Uncertain Significance.

Baylor Genetics
Classification: Uncertain significance for Familial meningioma. Last evaluated: 2023-08-14. Review status: criteria provided, single submitter. Criteria: ACMG Guidelines, 2015. Collection method: clinical testing. Allele origin: unknown.

Genome-Nilou Lab
Classification: Uncertain significance for Neurofibromatosis, type 2. Last evaluated: 2021-11-07. Review status: criteria provided, single submitter. Criteria: ACMG Guidelines, 2015. Collection method: clinical testing. Allele origin: germline. Affected: no.

Ambry Genetics
Classification: Uncertain significance for Hereditary cancer-predisposing syndrome. Last evaluated: 2019-10-02. Review status: criteria provided, single submitter. Criteria: Ambry Variant Classification Scheme 2023. Collection method: clinical testing. Allele origin: germline.
Comment: The p.R25K variant (also known as c.74G>A), located in coding exon 1 of the NF2 gene, results from a G to A substitution at nucleotide position 74. The arginine at codon 25 is replaced by lysine, an amino acid with highly similar properties. This amino acid position is highly conserved in available vertebrate species. In addition, the in silico prediction for this alteration is inconclusive. Since supporting evidence is limited at this time, the clinical significance of this alteration remains unclear.